The following is an entry in ClinVar:

ClinVar aggregate classification (germline): Conflicting classifications of pathogenicity. Review status: criteria provided, conflicting classifications (1 of 4 stars). 4 submissions from 4 submitters: Likely pathogenic (2); Uncertain significance (1). 1 of the submissions does not count toward it. Last evaluated 2026-02-25.

Conditions:
Finnish congenital nephrotic syndrome (NPHS1). Also called: NEPHROTIC SYNDROME, TYPE 1. Identifiers: Orphanet 839, MedGen C0403399, MONDO:0009732, OMIM 256300.

Allele frequency attached by ClinVar (database versions not stated): gnomAD exomes below 0.00001.
gnomAD v4.1: 1 of 1,613,422 alleles (0.000062%); highest among the groups gnomAD compares: East Asian, 0.0022%; no homozygotes.

Submissions (4):

Myriad Genetics, Inc.
Classification: Uncertain significance for Finnish congenital nephrotic syndrome. Last evaluated: 2026-02-25. Review status: criteria provided, single submitter. Criteria: Myriad Autosomal Dominant, Autosomal Recessive and X-Linked Classification Criteria (2023). Collection method: clinical testing. Allele origin: unknown.
Comment: NM_004646.3(NPHS1):c.3286+5G>A is an intronic variant classified as a variant of uncertain significance in the context of nephrotic syndrome, NPHS1-related. c.3286+5G>A has been observed in cases with relevant disease (PMID: 28204945, 31443662). Relevant functional assessments of this variant are not available in the literature. c.3286+5G>A has not been observed in referenced population frequency databases. In summary, there is insufficient evidence to classify NM_004646.3(NPHS1):c.3286+5G>A as pathogenic or benign. Please note: this variant was assessed in the context of healthy population screening.

Natera, Inc.
Classification: Likely pathogenic for Finnish congenital nephrotic syndrome. Last evaluated: 2025-06-09. Review status: criteria provided, single submitter. Criteria: Natera Variant Classification Schema (03/2026). Collection method: clinical testing. Allele origin: germline.
Comment: The c.3286+5G>A variant in NPHS1 is an intronic variant located outside the canonical splice sites. This variant is rare in the general population with a frequency below the threshold expected for the associated phenotype(s). This variant has been observed in one or more individuals affected with the associated recessive disease, as either homozygous or compound heterozygous with a second variant (PMID: 28204945). Functional studies show that this variant may disrupt protein function (PMID: 31443662). Computational prediction algorithms indicate this variant is likely to affect gene or protein function. Given the available evidence, this variant is classified as Likely Pathogenic.

Baylor Genetics
Classification: Likely pathogenic for Finnish congenital nephrotic syndrome. Last evaluated: 2023-07-11. Review status: criteria provided, single submitter. Criteria: ACMG Guidelines, 2015. Collection method: clinical testing. Allele origin: unknown.

Counsyl
Classification: Uncertain significance for Finnish congenital nephrotic syndrome. Last evaluated: 2018-03-06. Review status: no assertion criteria provided. Collection method: clinical testing. Allele origin: unknown. Not counted in ClinVar's aggregate classification.

Literature cited by the submitters: PubMed 28204945 (cited by 3 submitters); PubMed 31443662 (cited by Myriad Genetics, Inc. and Natera, Inc.).

NM_004646.4(NPHS1):c.3286+5G>A

Gene: NPHS1 (NPHS1 adhesion molecule, nephrin; minus strand). Cytogenetic location: 19q13.12.
Variant type: single nucleotide variant.
Coding change: c.3286+5G>A on transcript NM_004646.4 (MANE Select); 5 bases into the intron after coding-DNA position 3286, G replaced by A.
Molecular consequence: intron variant.
Genome position (GRCh38, 1-based): chr19:35,831,638, C>T on the plus strand (G>A on the coding strand, the complement: NPHS1 is on the minus strand). VCF-style: chr19-35831638-C-T. GRCh37 (hg19) VCF-style: chr19-36322540-C-T.
Identifiers: ClinVar variation 557003 (VCV000557003.5), dbSNP rs1555759089, ClinGen allele CA658824409.